The following is an entry in ClinVar:

ClinVar aggregate classification (germline): Uncertain significance (1 of 4 stars; one submission).

Allele frequency attached by ClinVar (database versions not stated): gnomAD 0.00001; 1000 Genomes Project 0.00020; 1000 Genomes Project 30x 0.00031.
gnomAD v4.1: 2 of 1,551,386 alleles (0.00013%); highest among the groups gnomAD compares: African/African-American, 0.0014%; no homozygotes.

Submission:

Labcorp Genetics (formerly Invitae), Labcorp
Classification: Uncertain significance. Last evaluated: 2021-08-27. Review status: criteria provided, single submitter. Criteria: Invitae Variant Classification Sherloc (09022015). Collection method: clinical testing. Allele origin: germline.
Comment: In summary, the available evidence is currently insufficient to determine the role of this variant in disease. Therefore, it has been classified as a Variant of Uncertain Significance. This variant has not been reported in the literature in individuals affected with NR2E3-related conditions. This variant is not present in population databases (ExAC no frequency). This sequence change replaces cysteine with tyrosine at codon 108 of the NR2E3 protein (p.Cys108Tyr). The cysteine residue is highly conserved and there is a large physicochemical difference between cysteine and tyrosine.

NM_014249.4(NR2E3):c.323G>A (p.Cys108Tyr)

Gene: NR2E3 (nuclear receptor subfamily 2 group E member 3; plus strand). Cytogenetic location: 15q23.
Variant type: single nucleotide variant.
Coding change: c.323G>A on transcript NM_014249.4 (MANE Select); coding-DNA position 323, G replaced by A.
Protein change: p.Cys108Tyr; replaces cysteine 108 with tyrosine.
Molecular consequence: missense variant.
Genome position (GRCh38, 1-based): chr15:71,811,843, G>A. VCF-style: chr15-71811843-G-A. GRCh37 (hg19) VCF-style: chr15-72104183-G-A.
Other names: c.323G>A, p.Cys108Tyr (NM_016346.4); short protein forms C108Y.
Identifiers: ClinVar variation 1413751 (VCV001413751.6), dbSNP rs555544052, ClinGen allele CA272575009.